The following is an entry in ClinVar:

ClinVar aggregate classification (germline): Pathogenic. Review status: criteria provided, multiple submitters, no conflicts (2 of 4 stars). 2 submissions from 2 submitters: Pathogenic (2). Last evaluated 2025-06-16.

Conditions:
Dystonia 28, childhood-onset (DYT28). Also called: KMT2B-Related Dystonia (DYT-KMT2B). Identifiers: Orphanet 589618, MedGen C4310633, MONDO:0015004, OMIM 617284.

Submissions (2):

Labcorp Genetics (formerly Invitae), Labcorp
Classification: Pathogenic. Last evaluated: 2025-06-16. Review status: criteria provided, single submitter. Criteria: Invitae Variant Classification Sherloc (09022015). Collection method: clinical testing. Allele origin: germline.
Comment: This sequence change creates a premature translational stop signal (p.Ala2139Glyfs*6) in the KMT2B gene. It is expected to result in an absent or disrupted protein product. Loss-of-function variants in KMT2B are known to be pathogenic (PMID: 27839873, 27992417). The frequency data for this variant in the population databases is considered unreliable, as metrics indicate poor data quality at this position in the gnomAD database. This premature translational stop signal has been observed in individual(s) with dystonia (PMID: 31216378). ClinVar contains an entry for this variant (Variation ID: 1297015). For these reasons, this variant has been classified as Pathogenic.

Institute of Human Genetics, University of Leipzig Medical Center
Classification: Pathogenic for Dystonia 28, childhood-onset. Last evaluated: 2021-07-08. Review status: criteria provided, single submitter. Criteria: ACMG Guidelines, 2015. Collection method: clinical testing. Allele origin: de novo. Affected: yes.
Comment: This variant was identified as de novo (maternity and paternity confirmed).

Literature cited by the submitters: PubMed 27839873 (cited by Labcorp Genetics (formerly Invitae), Labcorp); PubMed 27992417 (cited by Labcorp Genetics (formerly Invitae), Labcorp); PubMed 31216378 (cited by Labcorp Genetics (formerly Invitae), Labcorp).

NM_014727.3(KMT2B):c.6413dup (p.Ala2139fs)

Gene: KMT2B (lysine methyltransferase 2B; plus strand). Cytogenetic location: 19q13.12.
Variant type: Duplication.
Coding change: c.6413dup on transcript NM_014727.3 (MANE Select); coding-DNA position 6413, one base duplicated (C; older notation c.6413dupC).
Protein change: p.Ala2139fs; shifts the reading frame from alanine 2139.
Molecular consequence: frameshift variant.
Genome position (GRCh38, 1-based): chr19:35,732,962, C duplicated; the last of 6 consecutive C bases (chr19:35,732,957-35,732,962); duplicating any one gives the same sequence. VCF-style (leftmost placement, unchanged base first): chr19-35732956-T-TC. GRCh37 (hg19) VCF-style: chr19-36223857-T-TC.
Other names: short protein forms A2139fs.
Identifiers: ClinVar variation 1297015 (VCV001297015.9), dbSNP rs754806477, ClinGen allele CA9385679.